The following is an entry in ClinVar:

ClinVar aggregate classification (germline): Uncertain significance (1 of 4 stars; one submission).

Submission:

Ambry Genetics
Classification: Uncertain significance. Last evaluated: 2023-10-16. Review status: criteria provided, single submitter. Criteria: Ambry Variant Classification Scheme 2023. Collection method: clinical testing. Allele origin: germline.
Comment: The p.A358V variant (also known as c.1073C>T), located in coding exon 10 of the BUB1 gene, results from a C to T substitution at nucleotide position 1073. The alanine at codon 358 is replaced by valine, an amino acid with similar properties. This amino acid position is conserved. In addition, this alteration is predicted to be tolerated by in silico analysis. Since supporting evidence is limited at this time, the clinical significance of this alteration remains unclear.

NM_004336.5(BUB1):c.1073C>T (p.Ala358Val)

Gene: BUB1 (BUB1 mitotic checkpoint serine/threonine kinase; minus strand). Cytogenetic location: 2q13.
Variant type: single nucleotide variant.
Coding change: c.1073C>T on transcript NM_004336.5 (MANE Select); coding-DNA position 1073, C replaced by T.
Protein change: p.Ala358Val; replaces alanine 358 with valine.
Molecular consequence: missense variant.
Genome position (GRCh38, 1-based): chr2:110,661,726, G>A on the plus strand (C>T on the coding strand, the complement: BUB1 is on the minus strand). VCF-style: chr2-110661726-G-A. GRCh37 (hg19) VCF-style: chr2-111419303-G-A.
Other names: c.1013C>T, p.Ala338Val (NM_001278616.2); c.1073C>T, p.Ala358Val (NM_001278617.2); short protein forms A338V, A358V.
Identifiers: ClinVar variation 3223984 (VCV003223984.1), dbSNP rs745961127, ClinGen allele CA348214464.